The following is an entry in ClinVar:

NM_001308210.2(TSHZ1):c.425C>T (p.Thr142Ile)

Gene: TSHZ1 (teashirt zinc finger homeobox 1; plus strand). Cytogenetic location: 18q22.3.
Variant type: single nucleotide variant.
Coding change: c.425C>T on transcript NM_001308210.2 (MANE Select); coding-DNA position 425, C replaced by T.
Protein change: p.Thr142Ile; replaces threonine 142 with isoleucine.
Molecular consequence: missense variant.
Genome position (GRCh38, 1-based): chr18:75,285,832, C>T. VCF-style: chr18-75285832-C-T. GRCh37 (hg19) VCF-style: chr18-72997787-C-T.
Other names: c.290C>T, p.Thr97Ile (NM_005786.6); short protein forms T142I, T97I.
Identifiers: ClinVar variation 3183683 (VCV003183683.2), dbSNP rs779363710, ClinGen allele CA9001804.
Genomic context (GRCh38, chr18:75,285,832, plus strand): 5'-ACTTGTTCTCCGAGTCCTGCTGGTCCAGCTTAGCTCTGGATTTAAAGAAGTCGGGTTCCA[C>T]CACCAGCACCAACGATGCCAGCCAGAAGGAGAGCTCCGCCCCCACCCCCACACCCCCCAC-3'
Protein context (NP_001295139.1, residues 132-152): LALDLKKSGS[Thr142Ile]TSTNDASQKE

ClinVar aggregate classification (germline): Uncertain significance. Review status: criteria provided, multiple submitters, no conflicts (2 of 4 stars). 2 submissions from 2 submitters: Uncertain significance (2). Last evaluated 2025-07-18.

Allele frequency attached by ClinVar (database versions not stated): gnomAD 0.00001; TOPMed 0.00002.
gnomAD v4.1: 9 of 1,613,804 alleles (0.00056%); highest among the groups gnomAD compares: African/African-American, 0.0027%; no homozygotes.

Submissions (2):

Women's Health and Genetics/Laboratory Corporation of America, LabCorp
Classification: Uncertain significance. Last evaluated: 2025-07-18. Review status: criteria provided, single submitter. Criteria: LabCorp Variant Classification Summary - May 2015. Collection method: clinical testing. Allele origin: germline.
Comment: Variant summary: TSHZ1 c.290C>T (p.Thr97Ile) results in a non-conservative amino acid change in the encoded protein sequence. Algorithms developed to predict the effect of missense changes on protein structure and function are either unavailable or do not agree on the potential impact of this missense change. The variant allele was found at a frequency of 4e-06 in 250222 control chromosomes. The available data on variant occurrences in the general population are insufficient to allow any conclusion about variant significance. To our knowledge, no occurrence of c.290C>T in individuals affected with Aural Atresia, Congenital and no experimental evidence demonstrating its impact on protein function have been reported. ClinVar contains an entry for this variant (Variation ID: 3183683). Based on the evidence outlined above, the variant was classified as uncertain significance.

Ambry Genetics
Classification: Uncertain significance. Last evaluated: 2024-01-23. Review status: criteria provided, single submitter. Criteria: Ambry Variant Classification Scheme 2023. Collection method: clinical testing. Allele origin: germline.